The following is an entry in ClinVar:

ClinVar aggregate classification (germline): Uncertain significance. Review status: criteria provided, multiple submitters, no conflicts (2 of 4 stars). 3 submissions from 3 submitters: Uncertain significance (2). 1 of the submissions does not count toward it. Last evaluated 2026-03-05.

Conditions:
Cystic fibrosis (CF). Also called: MUCOVISCIDOSIS. Identifiers: Orphanet 586, MedGen C0010674, MONDO:0009061, OMIM 219700. Disease mechanism: loss of function.
CFTR-related disorder (CFTR-RD). Also called: CFTR-related disorders; CFTR-related condition. Identifiers: MedGen C5924204, MONDO:7770004.

Submissions (3):

Ambry Genetics
Classification: Uncertain significance for Cystic fibrosis. Last evaluated: 2026-03-05. Review status: criteria provided, single submitter. Criteria: Ambry Variant Classification Scheme 2023. Collection method: clinical testing. Allele origin: germline.
Comment: The p.K163T variant (also known as c.488A>C), located in coding exon 4 of the CFTR gene, results from an A to C substitution at nucleotide position 488. The lysine at codon 163 is replaced by threonine, an amino acid with similar properties. This amino acid position is completely conserved on sequence alignment. In addition, this alteration is predicted to be deleterious by in silico analysis. Based on the available evidence, the clinical significance of this variant remains unclear.

Mendelics
Classification: Uncertain significance for Cystic fibrosis. Last evaluated: 2018-11-05. Review status: criteria provided, single submitter. Criteria: Mendelics Assertion Criteria 2017. Collection method: clinical testing. Allele origin: unknown. Affected: yes.

Natera, Inc.
Classification: Uncertain significance for CFTR-related disorders. Last evaluated: 2025-02-27. Review status: no assertion criteria provided. Collection method: clinical testing. Allele origin: germline. Not counted in ClinVar's aggregate classification.

NM_000492.4(CFTR):c.488A>C (p.Lys163Thr)

Gene: CFTR (CF transmembrane conductance regulator; plus strand). Cytogenetic location: 7q31.2.
Variant type: single nucleotide variant.
Coding change: c.488A>C on transcript NM_000492.4 (MANE Select); coding-DNA position 488, A replaced by C.
Protein change: p.Lys163Thr; replaces lysine 163 with threonine.
Molecular consequence: missense variant.
Genome position (GRCh38, 1-based): chr7:117,531,113, A>C. VCF-style: chr7-117531113-A-C. GRCh37 (hg19) VCF-style: chr7-117171167-A-C.
Other names: short protein forms K163T.
Identifiers: ClinVar variation 618960 (VCV000618960.6), dbSNP rs1562889435, ClinGen allele CA368975234.